The following is an entry in ClinVar:

ClinVar aggregate classification (germline): Uncertain significance. Review status: criteria provided, multiple submitters, no conflicts (2 of 4 stars). 2 submissions from 2 submitters: Uncertain significance (2). Last evaluated 2026-10-19.

Conditions:
Pitt-Hopkins-like syndrome 2 (PTHSL2). Identifiers: Orphanet 221150, Orphanet 600663, MedGen C3280479, MONDO:0013690, OMIM 614325.

Allele frequency attached by ClinVar (database versions not stated): gnomAD 0.00001.
gnomAD v4.1: 1 of 1,613,904 alleles (0.000062%); highest among the groups gnomAD compares: South Asian, 0.0011%; no homozygotes.

Submissions (2):

GeneDx
Classification: Uncertain significance. Last evaluated: 2026-10-19. Review status: criteria provided, single submitter. Criteria: GeneDx Variant Classification Process June 2021. Collection method: clinical testing. Allele origin: germline.
Comment: Not observed at significant frequency in large population cohorts (gnomAD); In silico analysis supports that this missense variant has a deleterious effect on protein structure/function; Has not been previously published as pathogenic or benign to our knowledge

Labcorp Genetics (formerly Invitae), Labcorp
Classification: Uncertain significance for Pitt-Hopkins-like syndrome 2. Last evaluated: 2022-05-03. Review status: criteria provided, single submitter. Criteria: Invitae Variant Classification Sherloc (09022015). Collection method: clinical testing. Allele origin: germline.
Comment: This sequence change replaces alanine, which is neutral and non-polar, with glycine, which is neutral and non-polar, at codon 1399 of the NRXN1 protein (p.Ala1399Gly). In summary, the available evidence is currently insufficient to determine the role of this variant in disease. Therefore, it has been classified as a Variant of Uncertain Significance. Algorithms developed to predict the effect of missense changes on protein structure and function are either unavailable or do not agree on the potential impact of this missense change (SIFT: "Deleterious"; PolyPhen-2: "Possibly Damaging"; Align-GVGD: "Class C0"). ClinVar contains an entry for this variant (Variation ID: 1317354). This variant has not been reported in the literature in individuals affected with NRXN1-related conditions. This variant is not present in population databases (gnomAD no frequency).

NM_001330078.2(NRXN1):c.4076C>G (p.Ala1359Gly)

Gene: NRXN1 (neurexin 1; minus strand). Cytogenetic location: 2p16.3.
Variant type: single nucleotide variant.
Coding change: c.4076C>G on transcript NM_001330078.2 (MANE Select); coding-DNA position 4076, C replaced by G.
Protein change: p.Ala1359Gly; replaces alanine 1359 with glycine.
Molecular consequence: missense variant.
Genome position (GRCh38, 1-based): chr2:50,053,323, G>C on the plus strand (C>G on the coding strand, the complement: NRXN1 is on the minus strand). VCF-style: chr2-50053323-G-C. GRCh37 (hg19) VCF-style: chr2-50280461-G-C.
Other names: c.4196C>G, p.Ala1399Gly (NM_001135659.3); c.4052C>G, p.Ala1351Gly (NM_001330077.2, NM_001330082.2); c.3920C>G, p.Ala1307Gly (NM_001330083.2); c.4010C>G, p.Ala1337Gly (NM_001330084.2); c.4049C>G, p.Ala1350Gly (NM_001330085.2); c.4076C>G, p.Ala1359Gly (NM_001330086.2); c.3875C>G, p.Ala1292Gly (NM_001330087.2, NM_001330096.2); c.3905C>G, p.Ala1302Gly (NM_001330088.2); and 6 more; short protein forms A1292G, A1302G, A1307G, A1312G, A1329G, A1337G, A1350G, A1351G.
Identifiers: ClinVar variation 1317354 (VCV001317354.8), dbSNP rs1693037681, ClinGen allele CA346819443.